The following is an entry in ClinVar:

ClinVar aggregate classification (germline): Uncertain significance (1 of 4 stars; one submission).

Conditions:
Brugada syndrome 8 (BRGDA8). Identifiers: Orphanet 130, MedGen C2751083, MONDO:0013148, OMIM 613123.

Allele frequency attached by ClinVar (database versions not stated): gnomAD exomes below 0.00001; ExAC 0.00001.

Submission:

Labcorp Genetics (formerly Invitae), Labcorp
Classification: Uncertain significance for Brugada syndrome 8. Last evaluated: 2025-04-26. Review status: criteria provided, single submitter. Criteria: Invitae Variant Classification Sherloc (09022015). Collection method: clinical testing. Allele origin: germline.
Comment: This sequence change replaces glutamic acid, which is acidic and polar, with lysine, which is basic and polar, at codon 556 of the HCN4 protein (p.Glu556Lys). This variant is present in population databases (rs764177769, gnomAD 0.003%). This variant has not been reported in the literature in individuals affected with HCN4-related conditions. ClinVar contains an entry for this variant (Variation ID: 1441283). Invitae Evidence Modeling of protein sequence and biophysical properties (such as structural, functional, and spatial information, amino acid conservation, physicochemical variation, residue mobility, and thermodynamic stability) indicates that this missense variant is expected to disrupt HCN4 protein function with a positive predictive value of 95%. In summary, the available evidence is currently insufficient to determine the role of this variant in disease. Therefore, it has been classified as a Variant of Uncertain Significance.

NM_005477.3(HCN4):c.1666G>A (p.Glu556Lys)

Gene: HCN4 (hyperpolarization activated cyclic nucleotide gated potassium channel 4; minus strand). Cytogenetic location: 15q24.1.
Variant type: single nucleotide variant.
Coding change: c.1666G>A on transcript NM_005477.3 (MANE Select); coding-DNA position 1666, G replaced by A.
Protein change: p.Glu556Lys; replaces glutamic acid 556 with lysine.
Molecular consequence: missense variant.
Genome position (GRCh38, 1-based): chr15:73,325,369, C>T on the plus strand (G>A on the coding strand, the complement: HCN4 is on the minus strand). VCF-style: chr15-73325369-C-T. GRCh37 (hg19) VCF-style: chr15-73617710-C-T.
Other names: short protein forms E556K.
Identifiers: ClinVar variation 1441283 (VCV001441283.6), dbSNP rs764177769, ClinGen allele CA7649233.
Genomic context (GRCh38, chr15:73,325,369, plus strand): 5'-GCTCGCTTAGCTCGCCCAGGATGCTCTCCTCGTCGAACATCTTGCCCTGGTAGCGGTGCT[C>T]GTAGTAGTCGTGGATGCGCTGCCGGGTGTCGGGCGGGAGCTTGTGAAAGGACATGTACTG-3'
Protein context (NP_005468.1, residues 546-566): DTRQRIHDYY[Glu556Lys]HRYQGKMFDE